The following is an entry in ClinVar:

ClinVar aggregate classification (germline): Uncertain significance (1 of 4 stars; one submission).

gnomAD v4.1: 2 of 1,613,660 alleles (0.00012%); highest among the groups gnomAD compares: Non-Finnish European, 0.00017%; no homozygotes.

Submission:

GeneDx
Classification: Uncertain significance. Last evaluated: 2025-01-09. Review status: criteria provided, single submitter. Criteria: GeneDx Variant Classification Process June 2021. Collection method: clinical testing. Allele origin: germline. Affected: yes.
Comment: Not observed at significant frequency in large population cohorts (gnomAD); In silico analysis supports that this missense variant has a deleterious effect on protein structure/function; Has not been previously published as pathogenic or benign to our knowledge

NM_001148.6(ANK2):c.11048A>C (p.Gln3683Pro)

Gene: ANK2 (ankyrin 2; plus strand). Cytogenetic location: 4q26.
Variant type: single nucleotide variant.
Coding change: c.11048A>C on transcript NM_001148.6 (MANE Select); coding-DNA position 11048, A replaced by C.
Protein change: p.Gln3683Pro; replaces glutamine 3683 with proline.
Molecular consequence: missense variant.
Genome position (GRCh38, 1-based): chr4:113,367,581, A>C. VCF-style: chr4-113367581-A-C. GRCh37 (hg19) VCF-style: chr4-114288737-A-C.
Other names: c.4766A>C, p.Gln1589Pro (NM_001127493.3); c.4805A>C, p.Gln1602Pro (NM_001354225.2); c.4694A>C, p.Gln1565Pro (NM_001354228.2, NM_001354258.2); c.4772A>C, p.Gln1591Pro (NM_001354230.2); c.4835A>C, p.Gln1612Pro (NM_001354231.2, NM_001354242.2); c.4829A>C, p.Gln1610Pro (NM_001354232.2); c.4790A>C, p.Gln1597Pro (NM_001354235.2, NM_001354246.2, NM_001354265.2); c.4691A>C, p.Gln1564Pro (NM_001354236.2); and 35 more; short protein forms Q1437P, Q1470P, Q1498P, Q1503P, Q1511P, Q1520P, Q1523P, Q1525P.
Identifiers: ClinVar variation 4057019 (VCV004057019.1).
Genomic context (GRCh38, chr4:113,367,581, plus strand): 5'-ATATAGGTAAGCTTCAACTAAATACTTAAATCATTCTGCCTTTAGGGTTCTCGGTACTTC[A>C]AGAGGAGTTATGCACTGCACAGCACAAGCAGAAAGAGGAGCAAGCTGTTTCTAAAGAAAG-3'
Protein context (NP_001139.3, residues 3673-3693): LDHSEGFSVL[Gln3683Pro]EELCTAQHKQ